The following is an entry in ClinVar:

ClinVar aggregate classification (germline): Uncertain significance. Review status: criteria provided, multiple submitters, no conflicts (2 of 4 stars). 2 submissions from 2 submitters: Uncertain significance (2). Last evaluated 2023-12-04.

Allele frequency attached by ClinVar (database versions not stated): gnomAD 0.00001; TOPMed 0.00001; ExAC 0.00002; gnomAD exomes 0.00002.
gnomAD v4.1: 22 of 1,613,918 alleles (0.0014%); highest among the groups gnomAD compares: East Asian, 0.0022%; no homozygotes.

Submissions (2):

Ambry Genetics
Classification: Uncertain significance. Last evaluated: 2023-12-04. Review status: criteria provided, single submitter. Criteria: Ambry Variant Classification Scheme 2023. Collection method: clinical testing. Allele origin: germline.

Labcorp Genetics (formerly Invitae), Labcorp
Classification: Uncertain significance. Last evaluated: 2021-10-12. Review status: criteria provided, single submitter. Criteria: Invitae Variant Classification Sherloc (09022015). Collection method: clinical testing. Allele origin: germline.
Comment: In summary, the available evidence is currently insufficient to determine the role of this variant in disease. Therefore, it has been classified as a Variant of Uncertain Significance. Algorithms developed to predict the effect of missense changes on protein structure and function are either unavailable or do not agree on the potential impact of this missense change (SIFT: "Deleterious"; PolyPhen-2: "Probably Damaging"; Align-GVGD: "Class C15"). This variant has not been reported in the literature in individuals affected with LIPG-related conditions. This variant is present in population databases (rs199712385, ExAC 0.01%). This sequence change replaces proline with leucine at codon 210 of the LIPG protein (p.Pro210Leu). The proline residue is highly conserved and there is a moderate physicochemical difference between proline and leucine.

NM_006033.4(LIPG):c.629C>T (p.Pro210Leu)

Gene: LIPG (lipase G, endothelial type; plus strand). Cytogenetic location: 18q21.1.
Variant type: single nucleotide variant.
Coding change: c.629C>T on transcript NM_006033.4 (MANE Select); coding-DNA position 629, C replaced by T.
Protein change: p.Pro210Leu; replaces proline 210 with leucine.
Molecular consequence: missense variant. On other transcripts: intron variant (1).
Genome position (GRCh38, 1-based): chr18:49,575,426, C>T. VCF-style: chr18-49575426-C-T. GRCh37 (hg19) VCF-style: chr18-47101796-C-T.
Other names: c.571+5878C>T (NM_001308006.2); c.629C>T (NM_006033.2); short protein forms P210L.
Identifiers: ClinVar variation 1495612 (VCV001495612.7), dbSNP rs199712385, ClinGen allele CA8959174.